The following is an entry in ClinVar:

NM_014918.5(CHSY1):c.1436A>C (p.Lys479Thr)

Gene: CHSY1 (chondroitin sulfate synthase 1; minus strand). Cytogenetic location: 15q26.3.
Variant type: single nucleotide variant.
Coding change: c.1436A>C on transcript NM_014918.5 (MANE Select); coding-DNA position 1436, A replaced by C.
Protein change: p.Lys479Thr; replaces lysine 479 with threonine.
Molecular consequence: missense variant.
Genome position (GRCh38, 1-based): chr15:101,178,361, T>G on the plus strand (A>C on the coding strand, the complement: CHSY1 is on the minus strand). VCF-style: chr15-101178361-T-G. GRCh37 (hg19) VCF-style: chr15-101718566-T-G.
Other names: short protein forms K479T.
Identifiers: ClinVar variation 2645749 (VCV002645749.24), dbSNP rs200942066, ClinGen allele CA7762533.
Genomic context (GRCh38, chr15:101,178,361, plus strand): 5'-TGATTGATTCTCTTGGCCAACTCTTGTGCATCCAGCTCCTCATGCTCCACAAACTGGATT[T>G]TGCTGAAAGTCTGCTGTAAATACGCGTGCCTCCTCACAGGGACCGTCATTTTCTTCCCTT-3'
Protein context (NP_055733.2, residues 469-489): RHAYLQQTFS[Lys479Thr]IQFVEHEELD

ClinVar aggregate classification (germline): Uncertain significance (1 of 4 stars; one submission).

Allele frequency attached by ClinVar (database versions not stated): gnomAD 0.00001; gnomAD exomes 0.00001; ExAC 0.00002; TOPMed 0.00002.
gnomAD v4.1: 13 of 1,607,970 alleles (0.00081%); highest among the groups gnomAD compares: Middle Eastern, 0.033%; no homozygotes.

Submission:

CeGaT Center for Human Genetics Tuebingen
Classification: Uncertain significance. Last evaluated: 2024-11-01. Review status: criteria provided, single submitter. Criteria: CeGaT Center For Human Genetics Tuebingen Variant Classification Criteria Version 2. Collection method: clinical testing. Allele origin: germline. Affected: yes. Observed: 3 variant alleles.
Comment: CHSY1: PM2, PM3:Supporting, BP4